The following is an entry in ClinVar:

NM_000188.3(HK1):c.907G>A (p.Gly303Arg)

Gene: HK1 (hexokinase 1; plus strand). Cytogenetic location: 10q22.1.
Variant type: single nucleotide variant.
Coding change: c.907G>A on transcript NM_000188.3 (MANE Select); coding-DNA position 907, G replaced by A.
Protein change: p.Gly303Arg; replaces glycine 303 with arginine.
Molecular consequence: missense variant.
Genome position (GRCh38, 1-based): chr10:69,376,965, G>A. VCF-style: chr10-69376965-G-A. GRCh37 (hg19) VCF-style: chr10-71136721-G-A.
Other names: c.907G>A (NM_000188.2); c.919G>A, p.Gly307Arg (NM_001322364.2, NM_001358263.1, NM_033497.3 and 1 more transcripts); c.1012G>A, p.Gly338Arg (NM_001322365.2); c.823G>A, p.Gly275Arg (NM_001322366.1); c.811G>A, p.Gly271Arg (NM_001322367.1); c.904G>A, p.Gly302Arg (NM_033496.3); c.871G>A, p.Gly291Arg (NM_033500.2); short protein forms G303R, G338R, G307R, G271R, G275R, G291R, G302R.
Identifiers: ClinVar variation 1934040 (VCV001934040.7), dbSNP rs1305172564, ClinGen allele CA376915971.

ClinVar aggregate classification (germline): Uncertain significance. Review status: criteria provided, multiple submitters, no conflicts (2 of 4 stars). 3 submissions from 3 submitters: Uncertain significance (3). Last evaluated 2024-11-13.

Allele frequency attached by ClinVar (database versions not stated): gnomAD exomes below 0.00001; gnomAD 0.00001.

Submissions (3):

Labcorp Genetics (formerly Invitae), Labcorp
Classification: Uncertain significance. Last evaluated: 2024-11-13. Review status: criteria provided, single submitter. Criteria: Invitae Variant Classification Sherloc (09022015). Collection method: clinical testing. Allele origin: germline.
Comment: This sequence change replaces glycine, which is neutral and non-polar, with arginine, which is basic and polar, at codon 303 of the HK1 protein (p.Gly303Arg). This variant is present in population databases (no rsID available, gnomAD 0.01%). This variant has not been reported in the literature in individuals affected with HK1-related conditions. ClinVar contains an entry for this variant (Variation ID: 1934040). Invitae Evidence Modeling of protein sequence and biophysical properties (such as structural, functional, and spatial information, amino acid conservation, physicochemical variation, residue mobility, and thermodynamic stability) has been performed for this missense variant. However, the output from this modeling did not meet the statistical confidence thresholds required to predict the impact of this variant on HK1 protein function. In summary, the available evidence is currently insufficient to determine the role of this variant in disease. Therefore, it has been classified as a Variant of Uncertain Significance.

Revvity Omics, Revvity
Classification: Uncertain significance. Last evaluated: 2024-09-19. Review status: criteria provided, single submitter. Criteria: ACMG Guidelines, 2015. Collection method: clinical testing. Allele origin: germline.

Women's Health and Genetics/Laboratory Corporation of America, LabCorp
Classification: Uncertain significance. Last evaluated: 2024-01-26. Review status: criteria provided, single submitter. Criteria: LabCorp Variant Classification Summary - May 2015. Collection method: clinical testing. Allele origin: germline.
Comment: Variant summary: HK1 c.907G>A (p.Gly303Arg) results in a non-conservative amino acid change located in the Hexokinase, C-terminal (IPR022673) of the encoded protein sequence. Five of five in-silico tools predict a damaging effect of the variant on protein function. The variant was absent in 251492 control chromosomes. The available data on variant occurrences in the general population are insufficient to allow any conclusion about variant significance. To our knowledge, no occurrence of c.907G>A in individuals affected with HK1-Related Disorders and no experimental evidence demonstrating its impact on protein function have been reported. ClinVar contains an entry for this variant (Variation ID: 1934040). Based on the evidence outlined above, the variant was classified as uncertain significance.